The following is an entry in ClinVar:

ClinVar aggregate classification (germline): Uncertain significance (1 of 4 stars; one submission).

Submission:

Labcorp Genetics (formerly Invitae), Labcorp
Classification: Uncertain significance. Last evaluated: 2023-10-20. Review status: criteria provided, single submitter. Criteria: Invitae Variant Classification Sherloc (09022015). Collection method: clinical testing. Allele origin: germline.
Comment: This sequence change replaces glutamic acid, which is acidic and polar, with glutamine, which is neutral and polar, at codon 1798 of the CDH23 protein (p.Glu1798Gln). This variant is not present in population databases (gnomAD no frequency). This variant has not been reported in the literature in individuals affected with CDH23-related conditions. Advanced modeling of protein sequence and biophysical properties (such as structural, functional, and spatial information, amino acid conservation, physicochemical variation, residue mobility, and thermodynamic stability) performed at Invitae indicates that this missense variant is not expected to disrupt CDH23 protein function. Algorithms developed to predict the effect of sequence changes on RNA splicing suggest that this variant may disrupt the consensus splice site. In summary, the available evidence is currently insufficient to determine the role of this variant in disease. Therefore, it has been classified as a Variant of Uncertain Significance.

NM_022124.6(CDH23):c.5392G>C (p.Glu1798Gln)

Gene: CDH23 (cadherin related 23; plus strand). Cytogenetic location: 10q22.1.
Variant type: single nucleotide variant.
Coding change: c.5392G>C on transcript NM_022124.6 (MANE Select); coding-DNA position 5392, G replaced by C.
Protein change: p.Glu1798Gln; replaces glutamic acid 1798 with glutamine.
Molecular consequence: missense variant.
Genome position (GRCh38, 1-based): chr10:71,784,310, G>C. VCF-style: chr10-71784310-G-C. GRCh37 (hg19) VCF-style: chr10-73544067-G-C.
Other names: short protein forms E1798Q.
Identifiers: ClinVar variation 2770344 (VCV002770344.3), dbSNP rs2132938066, ClinGen allele CA377144488.